The following is an entry in ClinVar:

NM_001191061.2(SLC25A22):c.327G>A (p.Ala109=)

Gene: SLC25A22 (solute carrier family 25 member 22; minus strand). Cytogenetic location: 11p15.5.
Variant type: single nucleotide variant.
Coding change: c.327G>A on transcript NM_001191061.2 (MANE Select); coding-DNA position 327, G replaced by A.
Protein change: p.Ala109=; no amino-acid change (alanine 109 retained).
Molecular consequence: synonymous variant.
Genome position (GRCh38, 1-based): chr11:792,955, C>T on the plus strand (G>A on the coding strand, the complement: SLC25A22 is on the minus strand). VCF-style: chr11-792955-C-T. GRCh37 (hg19) VCF-style: chr11-792955-C-T.
Other names: p.A109A:GCG>GCA; p.Ala109=; c.327G>A, p.Ala109= (NM_001191060.2, NM_024698.6).
Identifiers: ClinVar variation 139134 (VCV000139134.59), dbSNP rs141975755, ClinGen allele CA293515.

ClinVar aggregate classification (germline): Conflicting classifications of pathogenicity. Review status: criteria provided, conflicting classifications (1 of 4 stars). 7 submissions from 7 submitters: Uncertain significance (1); Benign (1); Likely benign (5). Last evaluated 2026-01-12.

Conditions:
Early-infantile DEE. Also called: Early infantile epileptic encephalopathy; Early infantile epileptic encephalopathy with suppression bursts; Ohtahara syndrome. Identifiers: Orphanet 1934, MedGen C0393706, MONDO:0800491.
Inborn genetic diseases. Identifiers: MedGen C0950123, MeSH D030342.

Allele frequency attached by ClinVar (database versions not stated): gnomAD 0.00049 and 0.00050; TOPMed 0.00054; 1000 Genomes Project 30x 0.00078; ESP Exome Variant Server 0.00085; 1000 Genomes Project 0.00100.
gnomAD v4.1: 783 of 1,613,440 alleles (0.049%); highest among the groups gnomAD compares: Middle Eastern, 0.16%; 1 homozygote.

Submissions (7):

Labcorp Genetics (formerly Invitae), Labcorp
Classification: Likely benign for Early-infantile DEE. Last evaluated: 2026-01-12. Review status: criteria provided, single submitter. Criteria: Invitae Variant Classification Sherloc (09022015). Collection method: clinical testing. Allele origin: germline.

Mayo Clinic Laboratories, Mayo Clinic
Classification: Likely benign. Last evaluated: 2025-01-20. Review status: criteria provided, single submitter. Criteria: ACMG Guidelines, 2015. Collection method: clinical testing. Allele origin: germline. Observed: 2 variant alleles.

Blueprint Genetics
Classification: Likely benign. Last evaluated: 2024-09-20. Review status: criteria provided, single submitter. Criteria: ACMG Guidelines, 2015. Collection method: clinical testing. Allele origin: germline.

CeGaT Center for Human Genetics Tuebingen
Classification: Likely benign. Last evaluated: 2023-02-01. Review status: criteria provided, single submitter. Criteria: CeGaT Center For Human Genetics Tuebingen Variant Classification Criteria Version 2. Collection method: clinical testing. Allele origin: germline. Affected: yes. Observed: 3 variant alleles.
Comment: SLC25A22: BP4, BP7

Eurofins Ntd Llc (ga)
Classification: Uncertain significance. Last evaluated: 2018-09-04. Review status: criteria provided, single submitter. Criteria: EGL ClinVar v180209 classification definitions. Collection method: clinical testing. Allele origin: germline. Observed: 2 variant alleles, 2 heterozygotes.

Ambry Genetics
Classification: Likely benign for Inborn genetic diseases. Last evaluated: 2016-07-11. Review status: criteria provided, single submitter. Criteria: Ambry Variant Classification Scheme 2023. Collection method: clinical testing. Allele origin: germline.

GeneDx
Classification: Benign. Last evaluated: 2013-03-20. Review status: criteria provided, single submitter. Criteria: GeneDx Variant Classification (06012015). Collection method: clinical testing. Allele origin: germline. Affected: yes.
Comment: This variant is considered likely benign or benign based on one or more of the following criteria: it is a conservative change, it occurs at a poorly conserved position in the protein, it is predicted to be benign by multiple in silico algorithms, and/or has population frequency not consistent with disease.